The following is an entry in ClinVar:

NM_139027.6(ADAMTS13):c.987+13G>A

Gene: ADAMTS13 (ADAM metallopeptidase with thrombospondin type 1 motif 13; plus strand). Cytogenetic location: 9q34.2.
Variant type: single nucleotide variant.
Coding change: c.987+13G>A on transcript NM_139027.6 (MANE Select); 13 bases into the intron after coding-DNA position 987, G replaced by A.
Molecular consequence: intron variant.
Genome position (GRCh38, 1-based): chr9:133,430,114, G>A. VCF-style: chr9-133430114-G-A. GRCh37 (hg19) VCF-style: chr9-136295234-G-A.
Other names: c.987+13G>A (NM_139025.5); c.894+13G>A (NM_139026.6).
Identifiers: ClinVar variation 2957267 (VCV002957267.5), dbSNP rs781918765, ClinGen allele CA200924892.

ClinVar aggregate classification (germline): Likely benign. Review status: criteria provided, multiple submitters, no conflicts (2 of 4 stars). 2 submissions from 2 submitters: Likely benign (2). Last evaluated 2024-12-12.

Allele frequency attached by ClinVar (database versions not stated): gnomAD exomes 0.00004; TOPMed 0.00006.
gnomAD v4.1: 74 of 1,569,316 alleles (0.0047%); highest among the groups gnomAD compares: East Asian, 0.14%; no homozygotes.

Submissions (2):

Labcorp Genetics (formerly Invitae), Labcorp
Classification: Likely benign. Last evaluated: 2024-12-12. Review status: criteria provided, single submitter. Criteria: Invitae Variant Classification Sherloc (09022015). Collection method: clinical testing. Allele origin: germline.

Women's Health and Genetics/Laboratory Corporation of America, LabCorp
Classification: Likely benign. Last evaluated: 2024-03-13. Review status: criteria provided, single submitter. Criteria: LabCorp Variant Classification Summary - May 2015. Collection method: clinical testing. Allele origin: germline.
Comment: Variant summary: ADAMTS13 c.987+13G>A alters a non-conserved nucleotide located at a position not widely known to affect splicing. Consensus agreement among computation tools predict no significant impact on normal splicing. However, these predictions have yet to be confirmed by functional studies. The variant allele was found at a frequency of 0.00013 in 176450 control chromosomes. This frequency does not allow conclusion about variant significance. To our knowledge, no occurrence of c.987+13G>A in individuals affected with Thrombotic Thrombocytopenic Purpura and no experimental evidence demonstrating its impact on protein function have been reported. ClinVar contains an entry for this variant (Variation ID: 2957267). Based on the evidence outlined above, the variant was classified as likely benign.